The following is an entry in ClinVar:

NM_015896.4(ZMYND10):c.970C>A (p.Pro324Thr)

Gene: ZMYND10 (zinc finger MYND-type containing 10; minus strand). Cytogenetic location: 3p21.31.
Variant type: single nucleotide variant.
Coding change: c.970C>A on transcript NM_015896.4 (MANE Select); coding-DNA position 970, C replaced by A.
Protein change: p.Pro324Thr; replaces proline 324 with threonine.
Molecular consequence: missense variant.
Genome position (GRCh38, 1-based): chr3:50,342,044, G>T on the plus strand (C>A on the coding strand, the complement: ZMYND10 is on the minus strand). VCF-style: chr3-50342044-G-T. GRCh37 (hg19) VCF-style: chr3-50379475-G-T.
Other names: c.955C>A, p.Pro319Thr (NM_001308379.2); short protein forms P324T, P319T.
Identifiers: ClinVar variation 241073 (VCV000241073.13), dbSNP rs75782239, ClinGen allele CA2417037.

ClinVar aggregate classification (germline): Benign/Likely benign. Review status: criteria provided, multiple submitters, no conflicts (2 of 4 stars). 3 submissions from 3 submitters: Benign (2); Likely benign (1). Last evaluated 2026-01-28.

Conditions:
Primary ciliary dyskinesia. Also called: Ciliary dyskinesia. Identifiers: Orphanet 244, MedGen C0008780, MONDO:0016575, HP:0012265.

Allele frequency attached by ClinVar (database versions not stated): gnomAD exomes 0.00243; ExAC 0.00321; 1000 Genomes Project 0.00839; 1000 Genomes Project 30x 0.00859; gnomAD 0.00971; TOPMed 0.01152; ESP Exome Variant Server 0.01169.
gnomAD v4.1: 2,955 of 1,614,204 alleles (0.18%); highest among the groups gnomAD compares: African/African-American, 3.6%; 42 homozygotes.

Submissions (3):

Labcorp Genetics (formerly Invitae), Labcorp
Classification: Benign for Primary ciliary dyskinesia. Last evaluated: 2026-01-28. Review status: criteria provided, single submitter. Criteria: Invitae Variant Classification Sherloc (09022015). Collection method: clinical testing. Allele origin: germline.

GeneDx
Classification: Likely benign. Last evaluated: 2023-11-15. Review status: criteria provided, single submitter. Criteria: GeneDx Variant Classification Process June 2021. Collection method: clinical testing. Allele origin: germline. Affected: yes.
Comment: See Variant Classification Assertion Criteria.

Breakthrough Genomics
Classification: Benign. Review status: criteria provided, single submitter. Criteria: ACMG Guidelines, 2015. Collection method: not provided. Allele origin: germline. Inheritance: Autosomal recessive inheritance. Affected: yes.